The following is an entry in ClinVar:

NM_001036.6(RYR3):c.9767C>T (p.Ala3256Val)

Gene: RYR3 (ryanodine receptor 3; plus strand). Cytogenetic location: 15q14.
Variant type: single nucleotide variant.
Coding change: c.9767C>T on transcript NM_001036.6 (MANE Select); coding-DNA position 9767, C replaced by T.
Protein change: p.Ala3256Val; replaces alanine 3256 with valine.
Molecular consequence: missense variant.
Genome position (GRCh38, 1-based): chr15:33,788,395, C>T. VCF-style: chr15-33788395-C-T. GRCh37 (hg19) VCF-style: chr15-34080596-C-T.
Other names: c.9767C>T, p.Ala3256Val (NM_001243996.4); short protein forms A3256V.
Identifiers: ClinVar variation 1026550 (VCV001026550.8), dbSNP rs775224723, ClinGen allele CA7460602.

ClinVar aggregate classification (germline): Uncertain significance (1 of 4 stars; one submission).

Conditions:
Epileptic encephalopathy. Identifiers: MedGen C0543888, HP:0200134.

Allele frequency attached by ClinVar (database versions not stated): TOPMed 0.00003.
gnomAD v4.1: 11 of 1,613,812 alleles (0.00068%); highest among the groups gnomAD compares: Admixed American, 0.0067%; no homozygotes.

Submission:

Labcorp Genetics (formerly Invitae), Labcorp
Classification: Uncertain significance for Epileptic encephalopathy. Last evaluated: 2020-03-12. Review status: criteria provided, single submitter. Criteria: Invitae Variant Classification Sherloc (09022015). Collection method: clinical testing. Allele origin: germline.
Comment: This sequence change replaces alanine with valine at codon 3256 of the RYR3 protein (p.Ala3256Val). The alanine residue is highly conserved and there is a small physicochemical difference between alanine and valine. This variant is present in population databases (rs775224723, ExAC 0.01%). In summary, the available evidence is currently insufficient to determine the role of this variant in disease. Therefore, it has been classified as a Variant of Uncertain Significance. Algorithms developed to predict the effect of missense changes on protein structure and function are either unavailable or do not agree on the potential impact of this missense change (SIFT: "Deleterious"; PolyPhen-2: "Possibly Damaging"; Align-GVGD: "Class C0"). This variant has not been reported in the literature in individuals with RYR3-related conditions.